The following is an entry in ClinVar:

NM_130384.3(ATRIP):c.2068C>T (p.Leu690Phe)

Genes: ATRIP (ATR interacting protein; plus strand), ATRIP-TREX1 (ATRIP-TREX1 readthrough; plus strand). Cytogenetic location: 3p21.31.
Variant type: single nucleotide variant.
Coding change: c.2068C>T on transcript NM_130384.3 (MANE Select); coding-DNA position 2068, C replaced by T.
Protein change: p.Leu690Phe; replaces leucine 690 with phenylalanine.
Molecular consequence: missense variant. On other transcripts: non-coding transcript variant (1).
Genome position (GRCh38, 1-based): chr3:48,464,843, C>T. VCF-style: chr3-48464843-C-T. GRCh37 (hg19) VCF-style: chr3-48506242-C-T.
Other names: c.1687C>T, p.Leu563Phe (NM_001271022.2); c.1789C>T, p.Leu597Phe (NM_001271023.2); c.1987C>T, p.Leu663Phe (NM_032166.4); short protein forms L597F, L563F, L663F, L690F.
Identifiers: ClinVar variation 2340760 (VCV002340760.7), dbSNP rs146364953, ClinGen allele CA2376394.
Genomic context (GRCh38, chr3:48,464,843, plus strand): 5'-GCAGGCCATGGTGGCACCAGGCCTCAGTCTGCACCCCCCCTCTCTCAGGTGGTCAGAGCG[C>T]TCACGGTGATGTTGCACAGACAGTGGCTGACAGTGCGGAGGGCAGGGGGACCCCCAAGGA-3'
Protein context (NP_569055.1, residues 680-700): CQCNVEVVRA[Leu690Phe]TVMLHRQWLT

ClinVar aggregate classification (germline): Uncertain significance. Review status: criteria provided, multiple submitters, no conflicts (2 of 4 stars). 2 submissions from 2 submitters: Uncertain significance (2). Last evaluated 2025-06-12.

Allele frequency attached by ClinVar (database versions not stated): gnomAD 0.00003; TOPMed 0.00003; ExAC 0.00005; ESP Exome Variant Server 0.00008; gnomAD exomes 0.00008.

Submissions (2):

Ambry Genetics
Classification: Uncertain significance. Last evaluated: 2025-06-12. Review status: criteria provided, single submitter. Criteria: Ambry Variant Classification Scheme 2023. Collection method: clinical testing. Allele origin: germline.

Labcorp Genetics (formerly Invitae), Labcorp
Classification: Uncertain significance. Last evaluated: 2024-07-08. Review status: criteria provided, single submitter. Criteria: Invitae Variant Classification Sherloc (09022015). Collection method: clinical testing. Allele origin: germline.
Comment: This sequence change replaces leucine, which is neutral and non-polar, with phenylalanine, which is neutral and non-polar, at codon 690 of the ATRIP protein (p.Leu690Phe). This variant is present in population databases (rs146364953, gnomAD 0.01%). This variant has not been reported in the literature in individuals affected with ATRIP-related conditions. ClinVar contains an entry for this variant (Variation ID: 2340760). An algorithm developed to predict the effect of missense changes on protein structure and function (PolyPhen-2) suggests that this variant is likely to be disruptive. In summary, the available evidence is currently insufficient to determine the role of this variant in disease. Therefore, it has been classified as a Variant of Uncertain Significance.